The following is an entry in ClinVar:

NM_000545.8(HNF1A):c.1136C>G (p.Pro379Arg)

Gene: HNF1A (HNF1 homeobox A; plus strand). Cytogenetic location: 12q24.31.
Variant type: single nucleotide variant.
Coding change: c.1136C>G on transcript NM_000545.8 (MANE Select); coding-DNA position 1136, C replaced by G.
Protein change: p.Pro379Arg; replaces proline 379 with arginine.
Molecular consequence: missense variant.
Genome position (GRCh38, 1-based): chr12:120,996,569, C>G. VCF-style: chr12-120996569-C-G. GRCh37 (hg19) VCF-style: chr12-121434372-C-G.
Other names: NM_000545.8(HNF1A):c.1136C>G; p.Pro379Arg; c.1136C>G, p.Pro379Arg (NM_001306179.2); c.1136C>G (NM_000545.5); short protein forms P379R.
Identifiers: ClinVar variation 1675516 (VCV001675516.37), dbSNP rs371717826, ClinGen allele CA244534392.

ClinVar aggregate classification (germline): Pathogenic. Review status: reviewed by expert panel (3 of 4 stars). 5 submissions from 5 submitters: Pathogenic (1). 4 of the submissions do not count toward it. Last evaluated 2023-08-14.

Conditions:
HNF1A-related disorders.
Maturity-onset diabetes of the young (MODY). Also called: Maturity onset diabetes mellitus in young. Identifiers: Orphanet 552, MedGen C0342276, MONDO:0018911, HP:0004904.
Monogenic diabetes. Identifiers: Orphanet 183625, MedGen C3888631, MONDO:0015967.

Allele frequency attached by ClinVar (database versions not stated): gnomAD 0.00001.
gnomAD v4.1: 4 of 1,613,864 alleles (0.00025%); highest among the groups gnomAD compares: Admixed American, 0.0017%; no homozygotes.

Submissions (5):

ClinGen Monogenic Diabetes Variant Curation Expert Panel
Classification: Pathogenic for Monogenic diabetes. Last evaluated: 2023-08-14. Review status: reviewed by expert panel. Criteria: ClinGen Diabetes ACMG Specifications HNF1A V2.1.0. Collection method: curation. Allele origin: germline. Inheritance: Autosomal dominant inheritance.
Comment: The c.1136C>G variant in the HNF1 homeobox A gene, HNF1A, causes an amino acid change of proline to arginine at codon 379 (p.(Pro379Arg)) of NM_000545.8. This variant has an incomputable gnomAD v2.1.1 Popmax filtering allele frequency due to 1 copy in the European non-Finnish subpopulation and 0 copies in any other subpopulation, thereby meeting the ClinGen MDEP threshold criteria for PM2_Supporting (ENF Popmax FAF <= 0.000003 and <= 2 copies in ENF and <=1 copy in any other subpopulation) (PM2_Supporting). This variant is predicted to be deleterious by computational evidence, with a REVEL score of 0.961, which is greater than the MDEP threshold of 0.70 (PP3). This variant was identified in an individual with a MODY probability calculator result >50%, negative genetic testing for HNF4A, and antibody negative (PP4_Moderate; internal lab contributors). This variant was identified in 8 unrelated individuals with non- autoimmune and non-absolute/near-absolute insulin-deficient diabetes (PS4; PMID: 21170474, PMID: 15657605, internal lab contributors). This variant segregated with diabetes, with at least 4 informative meioses in 3 families with MODY (PP1_Strong; PMID: 15657605, internal lab contributors). In summary, this variant meets the criteria to be classified as pathogenic for monogenic diabetes. ACMG/AMP criteria applied, as specified by the ClinGen MDEP (specification version 2.1.0, approved 8/11/2023): PM2_Supporting, PP3, PP4_Moderate, PS4, PP1_Strong.

GeneDx
Classification: Likely pathogenic. Last evaluated: 2025-03-25. Review status: criteria provided, single submitter. Criteria: GeneDx Variant Classification Process June 2021. Collection method: clinical testing. Allele origin: germline. Affected: yes. Not counted in ClinVar's aggregate classification.
Comment: Reported in association with diabetes or HNF1A-related MODY in published literature (PMID: 21170474, 29666556, 15657605); Not observed at significant frequency in large population cohorts (gnomAD); In silico analysis supports that this missense variant has a deleterious effect on protein structure/function; This variant is associated with the following publications: (PMID: 21224407, 21170474, 34789499, 30455330, 29666556, 15657605)

CeGaT Center for Human Genetics Tuebingen
Classification: Pathogenic. Last evaluated: 2024-11-01. Review status: criteria provided, single submitter. Criteria: CeGaT Center For Human Genetics Tuebingen Variant Classification Criteria Version 2. Collection method: clinical testing. Allele origin: germline. Affected: yes. Observed: 2 variant alleles. Not counted in ClinVar's aggregate classification.
Comment: HNF1A: PP1:Strong, PM2, PS4:Moderate, PP3, PS3:Supporting

Blueprint Genetics
Classification: Pathogenic for HNF1A-related disorders. Last evaluated: 2024-10-31. Review status: criteria provided, single submitter. Criteria: ACMG Guidelines, 2015. Collection method: clinical testing. Allele origin: germline. Affected: yes. Observed: 1 variant allele. Not counted in ClinVar's aggregate classification.

Women's Health and Genetics/Laboratory Corporation of America, LabCorp
Classification: Pathogenic for Maturity-onset diabetes of the young. Last evaluated: 2024-05-15. Review status: criteria provided, single submitter. Criteria: LabCorp Variant Classification Summary - May 2015. Collection method: clinical testing. Allele origin: germline. Not counted in ClinVar's aggregate classification.
Comment: Variant summary: HNF1A c.1136C>G (p.Pro379Arg) results in a non-conservative amino acid change located in the Hepatocyte nuclear factor 1, beta isoform, C-terminal domain (IPR006897) of the encoded protein sequence. Five of five in-silico tools predict a damaging effect of the variant on protein function. The variant allele was found at a frequency of 4e-06 in 250114 control chromosomes (gnomAD). c.1136C>G has been reported in the literature in multiple individuals affected with Maturity Onset Diabetes Of The Young 3 (e.g. Xu_2005, Galan_2011, Pavic_2018, Colclough_2022). These data indicate that the variant is very likely to be associated with disease. At least one publication reports experimental evidence evaluating an impact on protein function, finding that the variant reduced transactivation in reporter assays (Galan_2011). The following publications have been ascertained in the context of this evaluation (PMID: 15657605, 21170474, 29666556, 34789499). ClinVar contains an entry for this variant (Variation ID: 1675516). Based on the evidence outlined above, the variant was classified as pathogenic.

Literature cited by the submitters: PubMed 15657605 (cited by Women's Health and Genetics/Laboratory Corporation of America, LabCorp); PubMed 21170474 (cited by Women's Health and Genetics/Laboratory Corporation of America, LabCorp); PubMed 34789499 (cited by Women's Health and Genetics/Laboratory Corporation of America, LabCorp); PubMed 29666556 (cited by Women's Health and Genetics/Laboratory Corporation of America, LabCorp).